The following is an entry in ClinVar:

ClinVar aggregate classification (germline): Uncertain significance (1 of 4 stars; one submission).

Conditions:
White-Kernohan syndrome. Also called: GLOBAL DEVELOPMENTAL DELAY, HYPOTONIA, AND CHARACTERISTIC FACIAL FEATURES. Identifiers: MedGen C5543635, MONDO:0859169, OMIM 619426.

Allele frequency attached by ClinVar (database versions not stated): gnomAD 0.00001; TOPMed 0.00001.
gnomAD v4.1: 1 of 1,614,022 alleles (0.000062%); highest among the groups gnomAD compares: Non-Finnish European, 0.000085%; no homozygotes.

Submission:

Laboratorio de Genetica e Diagnostico Molecular, Hospital Israelita Albert Einstein
Classification: Uncertain significance for White-Kernohan syndrome. Last evaluated: 2022-09-28. Review status: criteria provided, single submitter. Criteria: ACMG Guidelines, 2015. Collection method: clinical testing. Allele origin: germline. Affected: yes.
Comment: ACMG classification criteria: PM2 moderated, BP4 supporting

NM_001923.5(DDB1):c.2902G>T (p.Ala968Ser)

Gene: DDB1 (damage specific DNA binding protein 1; minus strand). Cytogenetic location: 11q12.2.
Variant type: single nucleotide variant.
Coding change: c.2902G>T on transcript NM_001923.5 (MANE Select); coding-DNA position 2902, G replaced by T.
Protein change: p.Ala968Ser; replaces alanine 968 with serine.
Molecular consequence: missense variant.
Genome position (GRCh38, 1-based): chr11:61,303,086, C>A on the plus strand (G>T on the coding strand, the complement: DDB1 is on the minus strand). VCF-style: chr11-61303086-C-A. GRCh37 (hg19) VCF-style: chr11-61070558-C-A.
Other names: short protein forms A968S.
Identifiers: ClinVar variation 2431517 (VCV002431517.2), dbSNP rs918285966, ClinGen allele CA222859421.